The following is an entry in ClinVar:

NM_194248.3(OTOF):c.3156C>T (p.Phe1052=)

Gene: OTOF (otoferlin; minus strand). Cytogenetic location: 2p23.3.
Variant type: single nucleotide variant.
Coding change: c.3156C>T on transcript NM_194248.3 (MANE Select); coding-DNA position 3156, C replaced by T.
Protein change: p.Phe1052=; no amino-acid change (phenylalanine 1052 retained).
Molecular consequence: synonymous variant.
Genome position (GRCh38, 1-based): chr2:26,474,645, G>A on the plus strand (C>T on the coding strand, the complement: OTOF is on the minus strand). VCF-style: chr2-26474645-G-A. GRCh37 (hg19) VCF-style: chr2-26697513-G-A.
Other names: c.3156C>T, p.Phe1052= (NM_001287489.2); c.915C>T, p.Phe305= (NM_004802.4, NM_194323.3); c.1086C>T, p.Phe362= (NM_194322.3).
Identifiers: ClinVar variation 48214 (VCV000048214.8), dbSNP rs397517942, ClinGen allele CA142842.

ClinVar aggregate classification (germline): Likely benign. Review status: criteria provided, multiple submitters, no conflicts (2 of 4 stars). 2 submissions from 2 submitters: Likely benign (2). Last evaluated 2026-01-31.

Allele frequency attached by ClinVar (database versions not stated): ExAC 0.00001; gnomAD exomes 0.00004 and 0.00001; TOPMed 0.00001; gnomAD 0.00001.
gnomAD v4.1: 68 of 1,613,220 alleles (0.0042%); highest among the groups gnomAD compares: East Asian, 0.011%; no homozygotes.

Submissions (2):

Labcorp Genetics (formerly Invitae), Labcorp
Classification: Likely benign. Last evaluated: 2026-01-31. Review status: criteria provided, single submitter. Criteria: Invitae Variant Classification Sherloc (09022015). Collection method: clinical testing. Allele origin: germline.

Laboratory for Molecular Medicine, Mass General Brigham Personalized Medicine
Classification: Likely benign. Last evaluated: 2010-08-19. Review status: criteria provided, single submitter. Criteria: LMM Criteria. Collection method: clinical testing. Allele origin: germline. Observed: 1 variant allele.
Comment: Phe1052Phe in exon 26 of OTOF: This variant is not expected to have clinical sig nificance because it does not alter an amino acid residue and it is not located in a known splice site consensus sequence.